The following is an entry in ClinVar:

ClinVar aggregate classification (germline): Uncertain significance (1 of 4 stars; one submission).

Conditions:
Schneckenbecken dysplasia. Identifiers: Orphanet 3144, MedGen C0432194, MONDO:0010013, OMIM 269250.

Allele frequency attached by ClinVar (database versions not stated): gnomAD exomes below 0.00001; ExAC 0.00001.
gnomAD v4.1: 1 of 1,614,006 alleles (0.000062%); highest among the groups gnomAD compares: Admixed American, 0.0017%; no homozygotes.

Submission:

Labcorp Genetics (formerly Invitae), Labcorp
Classification: Uncertain significance for Schneckenbecken dysplasia. Last evaluated: 2022-12-02. Review status: criteria provided, single submitter. Criteria: Invitae Variant Classification Sherloc (09022015). Collection method: clinical testing. Allele origin: germline.
Comment: In summary, the available evidence is currently insufficient to determine the role of this variant in disease. Therefore, it has been classified as a Variant of Uncertain Significance. Advanced modeling of protein sequence and biophysical properties (such as structural, functional, and spatial information, amino acid conservation, physicochemical variation, residue mobility, and thermodynamic stability) performed at Invitae indicates that this missense variant is not expected to disrupt SLC35D1 protein function. This variant has not been reported in the literature in individuals affected with SLC35D1-related conditions. This variant is present in population databases (rs747238680, gnomAD 0.003%). This sequence change replaces cysteine, which is neutral and slightly polar, with tyrosine, which is neutral and polar, at codon 74 of the SLC35D1 protein (p.Cys74Tyr).

NM_015139.3(SLC35D1):c.221G>A (p.Cys74Tyr)

Gene: SLC35D1 (solute carrier family 35 member D1; minus strand). Cytogenetic location: 1p31.3.
Variant type: single nucleotide variant.
Coding change: c.221G>A on transcript NM_015139.3 (MANE Select); coding-DNA position 221, G replaced by A.
Protein change: p.Cys74Tyr; replaces cysteine 74 with tyrosine.
Molecular consequence: missense variant.
Genome position (GRCh38, 1-based): chr1:67,052,972, C>T on the plus strand (G>A on the coding strand, the complement: SLC35D1 is on the minus strand). VCF-style: chr1-67052972-C-T. GRCh37 (hg19) VCF-style: chr1-67518655-C-T.
Other names: short protein forms C74Y.
Identifiers: ClinVar variation 2130950 (VCV002130950.4), dbSNP rs747238680, ClinGen allele CA899119.
Genomic context (GRCh38, chr1:67,052,972, plus strand): 5'-GTTCTAACAACATAAACCACGTAATGGTGAGGATTCCAACTAACCTGGCCAAGTCCAACA[C>T]ATAGTGAGGAGGGAAATCTACAAAAAGGGCAAAGAAAAAAACAAGATCAGAACAAACCTA-3'
Protein context (NP_055954.1, residues 64-84): LTNYRFPSSL[Cys74Tyr]VGLGQMVATV